The following is an entry in ClinVar:

NM_020127.3(TUFT1):c.874G>T (p.Asp292Tyr)

Gene: TUFT1 (tuftelin 1; plus strand). Cytogenetic location: 1q21.3.
Variant type: single nucleotide variant.
Coding change: c.874G>T on transcript NM_020127.3 (MANE Select); coding-DNA position 874, G replaced by T.
Protein change: p.Asp292Tyr; replaces aspartic acid 292 with tyrosine.
Molecular consequence: missense variant.
Genome position (GRCh38, 1-based): chr1:151,578,776, G>T. VCF-style: chr1-151578776-G-T. GRCh37 (hg19) VCF-style: chr1-151551252-G-T.
Other names: c.799G>T, p.Asp267Tyr (NM_001126337.2); c.931G>T, p.Asp311Tyr (NM_001301317.2); short protein forms D267Y, D292Y, D311Y.
Identifiers: ClinVar variation 2672350 (VCV002672350.23), dbSNP rs1412910130, ClinGen allele CA341980312.

ClinVar aggregate classification (germline): Uncertain significance (1 of 4 stars; one submission).

Allele frequency attached by ClinVar (database versions not stated): gnomAD exomes below 0.00001.
gnomAD v4.1: 5 of 1,585,026 alleles (0.00032%); highest among the groups gnomAD compares: South Asian, 0.0011%; no homozygotes.

Submission:

CeGaT Center for Human Genetics Tuebingen
Classification: Uncertain significance. Last evaluated: 2023-11-01. Review status: criteria provided, single submitter. Criteria: CeGaT Center For Human Genetics Tuebingen Variant Classification Criteria Version 2. Collection method: clinical testing. Allele origin: germline. Affected: yes. Observed: 1 variant allele.
Comment: TUFT1: PM2